The following is an entry in ClinVar:

NM_002458.3(MUC5B):c.12911C>A (p.Thr4304Asn)

Gene: MUC5B (mucin 5B, oligomeric mucus/gel-forming; plus strand). Cytogenetic location: 11p15.5.
Variant type: single nucleotide variant.
Coding change: c.12911C>A on transcript NM_002458.3 (MANE Select); coding-DNA position 12911, C replaced by A.
Protein change: p.Thr4304Asn; replaces threonine 4304 with asparagine.
Molecular consequence: missense variant.
Genome position (GRCh38, 1-based): chr11:1,249,791, C>A. VCF-style: chr11-1249791-C-A. GRCh37 (hg19) VCF-style: chr11-1271021-C-A.
Other names: c.12911C>A (NM_002458.2); short protein forms T4304N.
Identifiers: ClinVar variation 3388014 (VCV003388014.15).
Genomic context (GRCh38, chr11:1,249,791, plus strand): 5'-GCCCGGCCACCACACCCACAGCCACCAGTTCCAAAGCCACTTCCTCCTCCAGTCCAAGGA[C>A]TGCAACCACCCTTCCAGTGCTGACAAGCACAGCCACCAAATCCACAGCTACCAGCGTTAC-3'
Protein context (NP_002449.2, residues 4294-4314): SKATSSSSPR[Thr4304Asn]ATTLPVLTST

ClinVar aggregate classification (germline): Conflicting classifications of pathogenicity. Review status: criteria provided, conflicting classifications (1 of 4 stars). 2 submissions from 2 submitters: Uncertain significance (1); Likely benign (1). Last evaluated 2025-08-02.

Submissions (2):

Ambry Genetics
Classification: Uncertain significance. Last evaluated: 2025-08-02. Review status: criteria provided, single submitter. Criteria: Ambry Variant Classification Scheme 2023. Collection method: clinical testing. Allele origin: germline.

CeGaT Center for Human Genetics Tuebingen
Classification: Likely benign. Last evaluated: 2024-10-01. Review status: criteria provided, single submitter. Criteria: CeGaT Center For Human Genetics Tuebingen Variant Classification Criteria Version 2. Collection method: clinical testing. Allele origin: germline. Affected: yes. Observed: 1 variant allele.
Comment: MUC5B: BP4, BS1